The following is an entry in ClinVar:

ClinVar aggregate classification (germline): Uncertain significance (1 of 4 stars; one submission).

Submission:

Labcorp Genetics (formerly Invitae), Labcorp
Classification: Uncertain significance. Last evaluated: 2019-10-02. Review status: criteria provided, single submitter. Criteria: Invitae Variant Classification Sherloc (09022015). Collection method: clinical testing. Allele origin: germline.
Comment: In summary, the available evidence is currently insufficient to determine the role of this variant in disease. Therefore, it has been classified as a Variant of Uncertain Significance. Algorithms developed to predict the effect of sequence changes on RNA splicing suggest that this variant may create or strengthen a splice site, but this prediction has not been confirmed by published transcriptional studies. Algorithms developed to predict the effect of missense changes on protein structure and function output the following: SIFT: "Deleterious"; PolyPhen-2: "Probably Damaging"; Align-GVGD: "Class C65". The cysteine amino acid residue is found in multiple mammalian species, suggesting that this missense change does not adversely affect protein function. These predictions have not been confirmed by published functional studies and their clinical significance is uncertain. This variant has not been reported in the literature in individuals with USH2A-related conditions. This variant is not present in population databases (ExAC no frequency). This sequence change replaces tyrosine with cysteine at codon 2179 of the USH2A protein (p.Tyr2179Cys). The tyrosine residue is highly conserved and there is a large physicochemical difference between tyrosine and cysteine.

NM_206933.4(USH2A):c.6536A>G (p.Tyr2179Cys)

Gene: USH2A (usherin; minus strand). Cytogenetic location: 1q41.
Variant type: single nucleotide variant.
Coding change: c.6536A>G on transcript NM_206933.4 (MANE Select); coding-DNA position 6536, A replaced by G.
Protein change: p.Tyr2179Cys; replaces tyrosine 2179 with cysteine.
Molecular consequence: missense variant.
Genome position (GRCh38, 1-based): chr1:215,999,008, T>C on the plus strand (A>G on the coding strand, the complement: USH2A is on the minus strand). VCF-style: chr1-215999008-T-C. GRCh37 (hg19) VCF-style: chr1-216172350-T-C.
Other names: short protein forms Y2179C.
Identifiers: ClinVar variation 934253 (VCV000934253.9), dbSNP rs1668202592, ClinGen allele CA344861375.